The following is an entry in ClinVar:

ClinVar aggregate classification (germline): Likely pathogenic (1 of 4 stars; one submission).

Submission:

GeneDx
Classification: Likely pathogenic. Last evaluated: 2018-12-21. Review status: criteria provided, single submitter. Criteria: GeneDx Variant Classification (06012015). Collection method: clinical testing. Allele origin: germline. Affected: yes.
Comment: The c.3288delA variant in the IARS gene has not been reported previously as a pathogenic variant nor as a benign variant, to our knowledge. The c.3288delA variant causes a frameshift starting with codon Valine 1097, changes this amino acid to a Tyrosine residue, and creates a premature Stop codon at position 16 of the new reading frame, denoted p.Val1097TyrfsX16. This variant is predicted to cause loss of normal protein function either through protein truncation or nonsense-mediated mRNA decay. The c.3288delA variant is not observed in large population cohorts (Lek et al., 2016). We interpret c.3288delA as a likely pathogenic variant.

NM_002161.6(IARS1):c.3288del (p.Val1097fs)

Gene: IARS1 (isoleucyl-tRNA synthetase 1; minus strand). Cytogenetic location: 9q22.31.
Variant type: Deletion.
Coding change: c.3288del on transcript NM_002161.6 (MANE Select); coding-DNA position 3288, one base deleted (A; older notation c.3288delA).
Protein change: p.Val1097fs; shifts the reading frame from valine 1097.
Molecular consequence: frameshift variant. On other transcripts: non-coding transcript variant (1).
Genome position (GRCh38, 1-based): chr9:92,229,122, T deleted on the plus strand (A on the coding strand, the reverse complement: IARS1 is on the minus strand). VCF-style (leftmost placement, unchanged base first): chr9-92229121-CT-C. GRCh37 (hg19) VCF-style: chr9-94991403-CT-C.
Other names: c.3213del, p.Val1072fs (NM_001374299.1, NM_001374300.1, NM_001378584.1); c.3204del, p.Val1069fs (NM_001374301.1); c.3351del, p.Val1118fs (NM_001378569.1); c.3309del, p.Val1104fs (NM_001378571.1); c.3288del, p.Val1097fs (NM_001378572.1, NM_001378573.1, NM_001378574.1 and 9 more transcripts); c.3192del, p.Val1065fs (NM_001378582.1); c.3165del, p.Val1056fs (NM_001378583.1); short protein forms V1072fs, V1065fs, V1118fs, V1069fs, V1097fs, V1056fs, V1104fs.
Identifiers: ClinVar variation 817352 (VCV000817352.1), dbSNP rs1587725422, ClinGen allele CA915947041.